The following is an entry in ClinVar:

ClinVar aggregate classification (germline): Pathogenic. Review status: criteria provided, multiple submitters, no conflicts (2 of 4 stars). 12 submissions from 11 submitters: Pathogenic (8). 4 of the submissions do not count toward it. Last evaluated 2024-12-10.

Conditions:
Diabetes mellitus, permanent neonatal 2. Also called: KCNJ11-Related Permanent Neonatal Diabetes Mellitus. Identifiers: MedGen C5394296, MONDO:0030087, OMIM 618856.
Diabetes mellitus, transient neonatal, 3 (TNDM3). Identifiers: Orphanet 99886, MedGen C1864623, MONDO:0012522, OMIM 610582. Disease mechanism: loss of function.
KCNJ11-related disorder. Also called: KCNJ11-related disorders; KCNJ11-related condition.
Neonatal diabetes mellitus (NDM). Identifiers: Orphanet 224, MedGen C0158981, MONDO:0016391.
Transitory neonatal diabetes mellitus. Also called: Transient neonatal diabetes mellitus. Identifiers: MedGen C0342273, MONDO:0020525, HP:0008255.
Permanent neonatal diabetes mellitus (PNDM). Identifiers: Orphanet 99885, MedGen C1833104, MONDO:0100164, MONDO:0011643. Disease mechanism: gain of function.
Diabetes mellitus. Also called: Diabetes mellitus (disease). Identifiers: MedGen C0011849, MONDO:0005015, HP:0000819.
Maturity-onset diabetes of the young (MODY). Also called: Maturity onset diabetes mellitus in young. Identifiers: Orphanet 552, MedGen C0342276, MONDO:0018911, HP:0004904.

Submissions (12):

GeneDx
Classification: Pathogenic. Last evaluated: 2024-12-10. Review status: criteria provided, single submitter. Criteria: GeneDx Variant Classification Process June 2021. Collection method: clinical testing. Allele origin: germline. Affected: yes.
Comment: Published functional studies demonstrate a reduction in channel ATP sensitivity and channel expression on the cell surface (PMID: 16731837); Not observed at significant frequency in large population cohorts (gnomAD); In silico analysis supports that this missense variant has a deleterious effect on protein structure/function; This variant is associated with the following publications: (PMID: 22768671, 23626843, 15292329, 26958039, 27681997, 15504982, 30191644, 30890782, 32792356, 32418263, 33987715, 34539730, 32893419, 26438614, 37251668, 38093364, 16087682, 15115830, 16731837, 34566892)

Blueprint Genetics
Classification: Pathogenic for KCNJ11-related disorders. Last evaluated: 2024-11-20. Review status: criteria provided, single submitter. Criteria: ACMG Guidelines, 2015. Collection method: clinical testing. Allele origin: germline. Affected: yes. Observed: 1 variant allele.

Clinical Genomics Laboratory, Washington University in St. Louis
Classification: Pathogenic for Diabetes mellitus, permanent neonatal 2; Diabetes mellitus, transient neonatal, 3. Last evaluated: 2024-09-10. Review status: criteria provided, single submitter. Criteria: ACMG Guidelines, 2015. Collection method: clinical testing. Allele origin: germline. Affected: yes.
Comment: A KCNJ11 c.601C>T (p.Arg201Cys) variant was identified in a heterozygous state. This variant has been reported in numerous individuals with neonatal diabetes both in an inherited and in a de novo state (Chai-Udom R et al., PMID: 27428845; Dupont J et al., PMID: 22768671; Gloyn AL et al., PMID: 15292329; Gloyn AL et al., PMID: 15115830; Hashimoto Y et al., PMID: 27681997). It has been reported in the ClinVar database as a pathogenic variant by four submitters (ClinVar variation ID: 8668) and is absent from the general population (gnomAD v.2.1.1), indicating it is not a common variant. Computational predictors indicate that the variant is damaging, evidence that correlates with impact to KCNJ11 function. In support of this prediction, functional studies show a reduction of channel ATP sensitivity but also impaired channel expression at the cell surface (Lin CW et al., PMID: 16731837). Other variants in the same codon, p.Arg201His and p.Arg201Gly, have been reported in affected individuals and are considered pathogenic (Gloyn AL et al., PMID: 15115830; Hashimoto Y et al., PMID: 27681997; ClinVar variation ID: 8666). Based on the available information and the ACMG/AMP guidelines for variant interpretation (Richards S et al., PMID: 25741868), the KCNJ11 c.601C>T (p.Arg201Cys) variant is classified as pathogenic.

Labcorp Genetics (formerly Invitae), Labcorp
Classification: Pathogenic. Last evaluated: 2023-12-19. Review status: criteria provided, single submitter. Criteria: Invitae Variant Classification Sherloc (09022015). Collection method: clinical testing. Allele origin: germline.
Comment: This sequence change replaces arginine, which is basic and polar, with cysteine, which is neutral and slightly polar, at codon 201 of the KCNJ11 protein (p.Arg201Cys). This variant is not present in population databases (gnomAD no frequency). This missense change has been observed in individual(s) with neonatal diabetes (PMID: 15115830, 22768671, 26958039, 27681997). In at least one individual the variant was observed to be de novo. ClinVar contains an entry for this variant (Variation ID: 8668). Advanced modeling of protein sequence and biophysical properties (such as structural, functional, and spatial information, amino acid conservation, physicochemical variation, residue mobility, and thermodynamic stability) performed at Invitae indicates that this missense variant is expected to disrupt KCNJ11 protein function with a positive predictive value of 95%. Studies have shown that this missense change alters KCNJ11 gene expression (PMID: 16731837). This variant disrupts the p.Arg201 amino acid residue in KCNJ11. Other variant(s) that disrupt this residue have been observed in individuals with KCNJ11-related conditions (PMID: 15115830, 27681997), which suggests that this may be a clinically significant amino acid residue. For these reasons, this variant has been classified as Pathogenic.

Illumina Laboratory Services, Illumina
Classification: Pathogenic for Diabetes mellitus, permanent neonatal 2. Last evaluated: 2023-09-29. Review status: criteria provided, single submitter. Criteria: ICSLVariantClassificationCriteria RUGD 01 April 2020. Collection method: clinical testing. Allele origin: unknown.
Comment: The KCNJ11 c.601C>T p.(Arg201Cys) missense variant has been identified in individuals with permanent neonatal diabetes mellitus (PNDM), including in a de novo state in at least two individuals (PMID: 15115830; 25555642; 26958039; 32027066; 34566892). Additionally, a different amino acid substitution at the same position (p.Arg201His) has been reported in individuals with similar phenotype (PMID: 32027066). The c.601C>T variant is not observed in version 2.1.1 or version 3.1.2 of the Genome Aggregation Database. Multiple lines of computational evidence suggest the variant may impact the gene or gene product. Based on the available evidence, the c.601C>T p.(Arg201Cys) variant is classified as pathogenic for monogenic diabetes.

Beijing Key Laboratry for Genetics of Birth Defects, Beijing Children's Hospital
Classification: Pathogenic for Diabetes mellitus, transient neonatal, 3. Last evaluated: 2020-02-28. Review status: criteria provided, single submitter. Criteria: ACMG Guidelines, 2015. Collection method: clinical testing. Allele origin: de novo. Affected: yes. Observed: 1 variant allele.

Genetic Services Laboratory, University of Chicago
Classification: Pathogenic for Diabetes mellitus. Last evaluated: 2013-02-08. Review status: criteria provided, single submitter. Criteria: ACMG Guidelines, 2007. Collection method: clinical testing. Allele origin: germline. Inheritance: Autosomal unknown. Affected: yes.

Molecular Genetics, Madras Diabetes Research Foundation
Classification: Pathogenic for Neonatal diabetes mellitus. Review status: criteria provided, single submitter. Criteria: ACMG Guidelines, 2015. Collection method: clinical testing. Allele origin: germline. Affected: yes.

OMIM
Classification: Pathogenic for DIABETES MELLITUS, PERMANENT NEONATAL, 2. Last evaluated: 2005-01-01. Review status: no assertion criteria provided. Collection method: literature only. Allele origin: germline. Not counted in ClinVar's aggregate classification.

GeneReviews
No classification provided. Condition: Permanent neonatal diabetes mellitus. Review status: no classification provided. Collection method: literature only. Allele origin: unknown. Not counted in ClinVar's aggregate classification.

Clinical Genomics, Uppaluri K&H Personalized Medicine Clinic
Classification: Uncertain significance for Maturity-onset diabetes of the young. Review status: flagged submission. Criteria: K & H Uppaluri Personalized Medicine Clinic Variant Classification & Assertion Criteria_Updated V.1. Collection method: research. Allele origin: somatic. Inheritance: Autosomal dominant inheritance. Not counted in ClinVar's aggregate classification.
Comment: Mutations in KCNJ11 gene can cause decreased production and secretion of insulin. This can lead to MODY which may be responsive to oral sulfonylureas. Though the prevalence of this particular variant rs80356625 is seen in neonatal diabetes and hyperinsulinism, no sufficient evidence found for its significance in MODY yet.
ClinVar note: Reason: Outlier claim with insufficient supporting evidence

Clinical Genomics, Uppaluri K&H Personalized Medicine Clinic
Classification: Benign for Transitory neonatal diabetes mellitus. Review status: flagged submission. Criteria: K & H Uppaluri Personalized Medicine Clinic Variant Classification & Assertion Criteria_Updated V.1. Collection method: research. Allele origin: somatic. Inheritance: Autosomal dominant inheritance. Affected: yes. Not counted in ClinVar's aggregate classification.
Comment: Mutations in KCNJ11 can cause decreased production and secretion of insulin. This can lead to MODY which may be responsive to oral sulfonylureas. The prevalence of this particular variant rs80356625 is seen in neonatal diabetes and hyperinsulinism. However, since the variant is too frequent in different ethnic groups to cause the disease, it is categorized as a benign variant.
ClinVar note: Reason: Outlier claim with insufficient supporting evidence

Literature cited by the submitters: PubMed 15115830 (cited by 4 submitters); PubMed 22768671 (cited by Labcorp Genetics (formerly Invitae), Labcorp); PubMed 26958039 (cited by Labcorp Genetics (formerly Invitae), Labcorp and Illumina Laboratory Services, Illumina); PubMed 27681997 (cited by Labcorp Genetics (formerly Invitae), Labcorp); PubMed 16731837 (cited by Labcorp Genetics (formerly Invitae), Labcorp); PubMed 25555642 (cited by Illumina Laboratory Services, Illumina and Clinical Genomics, Uppaluri K&H Personalized Medicine Clinic); PubMed 32027066 (cited by Illumina Laboratory Services, Illumina); PubMed 34566892 (cited by Illumina Laboratory Services, Illumina and Clinical Genomics, Uppaluri K&H Personalized Medicine Clinic); PubMed 32893419 (cited by Molecular Genetics, Madras Diabetes Research Foundation); PubMed 12524280 (cited by OMIM and GeneReviews); PubMed 15583126 (cited by OMIM and GeneReviews); PubMed 15580558 (cited by OMIM and GeneReviews); PubMed 15292329 (cited by OMIM); PubMed 16123337 (cited by GeneReviews); PubMed 20301620 (cited by GeneReviews); NCBI Bookshelf NBK1447 (cited by GeneReviews).

NM_000525.4(KCNJ11):c.601C>T (p.Arg201Cys)

Gene: KCNJ11 (potassium inwardly rectifying channel subfamily J member 11; minus strand). Cytogenetic location: 11p15.1.
Variant type: single nucleotide variant.
Coding change: c.601C>T on transcript NM_000525.4 (MANE Select); coding-DNA position 601, C replaced by T.
Protein change: p.Arg201Cys; replaces arginine 201 with cysteine.
Molecular consequence: missense variant.
Genome position (GRCh38, 1-based): chr11:17,387,491, G>A on the plus strand (C>T on the coding strand, the complement: KCNJ11 is on the minus strand). VCF-style: chr11-17387491-G-A. GRCh37 (hg19) VCF-style: chr11-17409038-G-A.
Other names: c.340C>T, p.Arg114Cys (NM_001166290.2, NM_001377296.1, NM_001377297.1); short protein forms R201C, R114C.
Identifiers: ClinVar variation 8668 (VCV000008668.27), dbSNP rs80356625, ClinGen allele CA119825.